The following is an entry in ClinVar:

ClinVar aggregate classification (germline): Uncertain significance (1 of 4 stars; one submission).

Conditions:
Familial focal epilepsy with variable foci (FPEVF). Identifiers: Orphanet 98820, MedGen C1858477, MONDO:0020310.

Submission:

Labcorp Genetics (formerly Invitae), Labcorp
Classification: Uncertain significance for Familial focal epilepsy with variable foci. Last evaluated: 2022-12-27. Review status: criteria provided, single submitter. Criteria: Invitae Variant Classification Sherloc (09022015). Collection method: clinical testing. Allele origin: germline.
Comment: In summary, the available evidence is currently insufficient to determine the role of this variant in disease. Therefore, it has been classified as a Variant of Uncertain Significance. Algorithms developed to predict the effect of missense changes on protein structure and function are either unavailable or do not agree on the potential impact of this missense change (SIFT: "Tolerated"; PolyPhen-2: "Not Available"; Align-GVGD: "Class C0"). This variant has not been reported in the literature in individuals affected with DEPDC5-related conditions. This variant is not present in population databases (gnomAD no frequency). This sequence change replaces glycine, which is neutral and non-polar, with aspartic acid, which is acidic and polar, at codon 1452 of the DEPDC5 protein (p.Gly1452Asp).

NM_001242896.3(DEPDC5):c.4355G>A (p.Gly1452Asp)

Gene: DEPDC5 (DEP domain containing 5, GATOR1 subcomplex subunit; plus strand). Cytogenetic location: 22q12.3.
Variant type: single nucleotide variant.
Coding change: c.4355G>A on transcript NM_001242896.3 (MANE Select); coding-DNA position 4355, G replaced by A.
Protein change: p.Gly1452Asp; replaces glycine 1452 with aspartic acid.
Molecular consequence: missense variant. On other transcripts: non-coding transcript variant (5).
Genome position (GRCh38, 1-based): chr22:31,897,633, G>A. VCF-style: chr22-31897633-G-A. GRCh37 (hg19) VCF-style: chr22-32293619-G-A.
Other names: c.4328G>A, p.Gly1443Asp (NM_001136029.4); c.4055G>A, p.Gly1352Asp (NM_001242897.2); c.4289G>A, p.Gly1430Asp (NM_001363852.2, NM_001364320.2); c.4121G>A, p.Gly1374Asp (NM_001363854.2, NM_001364319.2); c.4355G>A, p.Gly1452Asp (NM_001364318.2); c.4271G>A, p.Gly1424Asp (NM_001369901.1, NM_001369902.1); c.4262G>A, p.Gly1421Asp (NM_001369903.1, NM_014662.6); short protein forms G1352D, G1374D, G1421D, G1443D, G1452D, G1430D, G1424D.
Identifiers: ClinVar variation 2813330 (VCV002813330.3), dbSNP rs2523319126, ClinGen allele CA411289064.
Genomic context (GRCh38, chr22:31,897,633, plus strand): 5'-GCGACCCCCTTCGTGCCCAGCTCTTCATCCCACTCAACATCAGCTGCTTGCTCAAGGAGG[G>A]CAGCGAGCACCTGTTTGATAGTAAGAAATATTCCCTTCTGGAGGTTGTCTCAACCAGTAA-3'
Protein context (NP_001229825.1, residues 1442-1462): PLNISCLLKE[Gly1452Asp]SEHLFDSFEP